The following is an entry in ClinVar:

NM_000702.4(ATP1A2):c.2288G>T (p.Arg763Leu)

Gene: ATP1A2 (ATPase Na+/K+ transporting subunit alpha 2; plus strand). Cytogenetic location: 1q23.2.
Variant type: single nucleotide variant.
Coding change: c.2288G>T on transcript NM_000702.4 (MANE Select); coding-DNA position 2288, G replaced by T.
Protein change: p.Arg763Leu; replaces arginine 763 with leucine.
Molecular consequence: missense variant.
Genome position (GRCh38, 1-based): chr1:160,135,842, G>T. VCF-style: chr1-160135842-G-T. GRCh37 (hg19) VCF-style: chr1-160105632-G-T.
Other names: short protein forms R763L.
Identifiers: ClinVar variation 2573648 (VCV002573648.2), dbSNP rs1403515889, ClinGen allele CA343249873.

ClinVar aggregate classification (germline): Likely pathogenic (1 of 4 stars; one submission).

Conditions:
Fetal akinesia, respiratory insufficiency, microcephaly, polymicrogyria, and dysmorphic facies. Identifiers: MedGen C5562015, MONDO:0859204, OMIM 619602.

Submission:

Department Of Biochemistry, Hamamatsu University School Of Medicine
Classification: Likely pathogenic for Fetal akinesia, respiratory insufficiency, microcephaly, polymicrogyria, and dysmorphic facies. Review status: criteria provided, single submitter. Criteria: ACMG Guidelines, 2015. Collection method: research. Allele origin: maternal. Inheritance: Autosomal recessive inheritance. Affected: yes. Observed: 1 compound heterozygote.
Comment: The c.2288G>T, p.(Arg763Leu) variant was absent in the gnomAD, 38KJPN Allele Frequency Panel. c.2288G>T variant had not been previously reported, but another amino acid alterations on the same residue [c.2287C>T, p.(Arg763Cys) and c.2288G>A, p.(Arg763His)] was registered in HGMD as disease causing variants (Jurkat-Rott 2004, Thomsen 2007). Additionally, multiple in silico prediction tools predicted it to be deleterious. Crystal structural analysis implied that the Arg763His variant may affect interdomain H-bond networks of P-type ATPases interfering with the conformational flexibility during the E1P to E2P conformational transition (Tavraz 2008). In conclusion, we considered that p.(Arg763Leu) variants was classified as Likely pathogenic (PM2, PM3, PM5, PP3).

Literature cited by the submitters: PubMed 15159495; PubMed 17142831; PubMed 18728015.